The following is an entry in ClinVar:

ClinVar aggregate classification (germline): Uncertain significance (1 of 4 stars; one submission).

Conditions:
Hereditary cancer-predisposing syndrome. Also called: Neoplastic Syndromes, Hereditary; Hereditary Cancer Syndrome; Hereditary neoplastic syndrome; Tumor predisposition. Identifiers: Orphanet 140162, MedGen C0027672, MeSH D009386, MONDO:0015356.

Submission:

Ambry Genetics
Classification: Uncertain significance for Hereditary cancer-predisposing syndrome. Last evaluated: 2023-04-18. Review status: criteria provided, single submitter. Criteria: Ambry Variant Classification Scheme 2023. Collection method: clinical testing. Allele origin: germline.
Comment: The p.S1774R variant (also known as c.5320A>C), located in coding exon 41 of the TSC2 gene, results from an A to C substitution at nucleotide position 5320. The serine at codon 1774 is replaced by arginine, an amino acid with dissimilar properties. This amino acid position is conserved. In addition, this alteration is predicted to be tolerated by in silico analysis. Since supporting evidence is limited at this time, the clinical significance of this alteration remains unclear.

NM_000548.5(TSC2):c.5320A>C (p.Ser1774Arg)

Gene: TSC2 (TSC complex subunit 2; plus strand). Cytogenetic location: 16p13.3.
Variant type: single nucleotide variant.
Coding change: c.5320A>C on transcript NM_000548.5 (MANE Select); coding-DNA position 5320, A replaced by C.
Protein change: p.Ser1774Arg; replaces serine 1774 with arginine.
Molecular consequence: missense variant. On other transcripts: non-coding transcript variant (5).
Genome position (GRCh38, 1-based): chr16:2,088,506, A>C. VCF-style: chr16-2088506-A-C. GRCh37 (hg19) VCF-style: chr16-2138507-A-C.
Other names: c.5119A>C, p.Ser1707Arg (NM_001077183.3); c.5251A>C, p.Ser1751Arg (NM_001114382.3); c.5011A>C, p.Ser1671Arg (NM_001318827.2); c.4975A>C, p.Ser1659Arg (NM_001318829.2); c.4588A>C, p.Ser1530Arg (NM_001318831.2); c.5152A>C, p.Ser1718Arg (NM_001318832.2); c.5122A>C, p.Ser1708Arg (NM_001363528.2); c.5188A>C, p.Ser1730Arg (NM_001370404.1); and 27 more; short protein forms S1259R, S1260R, S1283R, S1574R, S1659R, S1671R, S1707R, S1738R.
Identifiers: ClinVar variation 2564711 (VCV002564711.2), dbSNP rs368083145, ClinGen allele CA394315492.